The following is an entry in ClinVar:

ClinVar aggregate classification (germline): Uncertain significance. Review status: criteria provided, multiple submitters, no conflicts (2 of 4 stars). 2 submissions from 2 submitters: Uncertain significance (2). Last evaluated 2023-02-17.

Conditions:
Pigmentary pallidal degeneration (NBIA1). Also called: Pantothenate Kinase-Associated Neurodegeneration; Neuroaxonal dystrophy, late infantile; Hallervorden-Spatz disease; Neurodegeneration with brain iron accumulation 1; PKAN NEUROAXONAL DYSTROPHY, JUVENILE-ONSET; HARP SYNDROME. Identifiers: Orphanet 157850, MedGen C0018523, MONDO:0009319, OMIM 234200.

Allele frequency attached by ClinVar (database versions not stated): gnomAD exomes 0.00001; ExAC 0.00002; TOPMed 0.00003; gnomAD 0.00004; 1000 Genomes Project 30x 0.00016; 1000 Genomes Project 0.00020.
gnomAD v4.1: 26 of 1,614,164 alleles (0.0016%); highest among the groups gnomAD compares: Non-Finnish European, 0.0019%; no homozygotes.

Submissions (2):

Blueprint Genetics
Classification: Uncertain significance. Last evaluated: 2023-02-17. Review status: criteria provided, single submitter. Criteria: ACMG Guidelines, 2015. Collection method: clinical testing. Allele origin: germline.

Labcorp Genetics (formerly Invitae), Labcorp
Classification: Uncertain significance for Pigmentary pallidal degeneration. Last evaluated: 2022-03-10. Review status: criteria provided, single submitter. Criteria: Invitae Variant Classification Sherloc (09022015). Collection method: clinical testing. Allele origin: germline.
Comment: This sequence change replaces tyrosine, which is neutral and polar, with cysteine, which is neutral and slightly polar, at codon 251 of the PANK2 protein (p.Tyr251Cys). This variant is present in population databases (rs199549943, gnomAD 0.003%). This variant has not been reported in the literature in individuals affected with PANK2-related conditions. Algorithms developed to predict the effect of missense changes on protein structure and function are either unavailable or do not agree on the potential impact of this missense change (SIFT: "Deleterious"; PolyPhen-2: "Probably Damaging"; Align-GVGD: "Class C0"). In summary, the available evidence is currently insufficient to determine the role of this variant in disease. Therefore, it has been classified as a Variant of Uncertain Significance.

NM_001386393.1(PANK2):c.422A>G (p.Tyr141Cys)

Gene: PANK2 (pantothenate kinase 2; plus strand). Cytogenetic location: 20p13.
Variant type: single nucleotide variant.
Coding change: c.422A>G on transcript NM_001386393.1 (MANE Select); coding-DNA position 422, A replaced by G.
Protein change: p.Tyr141Cys; replaces tyrosine 141 with cysteine.
Molecular consequence: missense variant. On other transcripts: 5 prime UTR variant (4), non-coding transcript variant (1).
Genome position (GRCh38, 1-based): chr20:3,908,049, A>G. VCF-style: chr20-3908049-A-G. GRCh37 (hg19) VCF-style: chr20-3888696-A-G.
Other names: c.-122A>G (NM_001324191.2, NM_024960.6, NM_153640.4); c.752A>G, p.Tyr251Cys (NM_001324192.1, NM_153638.4); c.-414A>G (NM_001324193.2); short protein forms Y141C, Y251C.
Identifiers: ClinVar variation 1961358 (VCV001961358.3), dbSNP rs199549943, ClinGen allele CA9750686.